The following is an entry in ClinVar:

ClinVar aggregate classification (germline): Uncertain significance (1 of 4 stars; one submission).

gnomAD v4.1: 1 of 1,579,212 alleles (0.000063%); highest among the groups gnomAD compares: African/African-American, 0.0013%; no homozygotes.

Submission:

Labcorp Genetics (formerly Invitae), Labcorp
Classification: Uncertain significance. Last evaluated: 2025-06-19. Review status: criteria provided, single submitter. Criteria: Invitae Variant Classification Sherloc (09022015). Collection method: clinical testing. Allele origin: germline.
Comment: This sequence change replaces arginine, which is basic and polar, with serine, which is neutral and polar, at codon 223 of the IL12RB2 protein (p.Arg223Ser). This variant is not present in population databases (gnomAD no frequency). This variant has not been reported in the literature in individuals affected with IL12RB2-related conditions. An algorithm developed to predict the effect of missense changes on protein structure and function (PolyPhen-2) suggests that this variant is likely to be disruptive. In summary, the available evidence is currently insufficient to determine the role of this variant in disease. Therefore, it has been classified as a Variant of Uncertain Significance.

NM_001374259.2(IL12RB2):c.669G>T (p.Arg223Ser)

Gene: IL12RB2 (interleukin 12 receptor subunit beta 2; plus strand). Cytogenetic location: 1p31.3.
Variant type: single nucleotide variant.
Coding change: c.669G>T on transcript NM_001374259.2 (MANE Select); coding-DNA position 669, G replaced by T.
Protein change: p.Arg223Ser; replaces arginine 223 with serine.
Molecular consequence: missense variant. On other transcripts: non-coding transcript variant (2).
Genome position (GRCh38, 1-based): chr1:67,329,591, G>T. VCF-style: chr1-67329591-G-T. GRCh37 (hg19) VCF-style: chr1-67795274-G-T.
Other names: c.669G>T, p.Arg223Ser (NM_001258214.1, NM_001258215.1, NM_001258216.1 and 2 more transcripts); short protein forms R223S.
Identifiers: ClinVar variation 4721719 (VCV004721719.1).